The following is an entry in ClinVar:

NM_033305.3(VPS13A):c.8953+2C>T

Gene: VPS13A (vacuolar protein sorting 13 homolog A; plus strand). Cytogenetic location: 9q21.2.
Variant type: single nucleotide variant.
Coding change: c.8953+2C>T on transcript NM_033305.3 (MANE Select); the canonical splice donor site of the intron after coding-DNA position 8953, C replaced by T.
Molecular consequence: splice donor variant.
Genome position (GRCh38, 1-based): chr9:77,370,937, C>T. VCF-style: chr9-77370937-C-T. GRCh37 (hg19) VCF-style: chr9-79985853-C-T.
Other names: c.8836+2C>T (NM_001018037.2); c.8953+2C>T (NM_015186.4, NM_001018038.3).
Identifiers: ClinVar variation 4816433 (VCV004816433.1).
Genomic context (GRCh38, chr9:77,370,937, plus strand): 5'-GTTTTCCTTCTAGGGATTTGTTAGTGGCATAACAGGAATTGTTACAAAACCAATCAAAGG[C>T]AAGTATAGTAGTTCCTTTGCAAGTCTTTCTAAGTTGATTCTGTTTTCATTCTTGGATGCA-3'

ClinVar aggregate classification (germline): Likely pathogenic (1 of 4 stars; one submission).

Conditions:
VPS13A-related neurodegenerative disease. Also called: LEVINE-CRITCHLEY SYNDROME; Choreaacanthocytosis; ACANTHOCYTOSIS WITH NEUROLOGIC DISORDER; Choreoacanthocytosis; Chorea-acanthocytosis; VPS13A Disease. Identifiers: Orphanet 2388, MedGen C0393576, MONDO:0008695, OMIM 200150.

gnomAD v4.1: 4 of 1,614,006 alleles (0.00025%); highest among the groups gnomAD compares: African/African-American, 0.0013%; no homozygotes.

Submission:

Natera, Inc.
Classification: Likely pathogenic for Choreaacanthocytosis. Last evaluated: 2025-09-23. Review status: criteria provided, single submitter. Criteria: Natera Variant Classification Schema (03/2026). Collection method: clinical testing. Allele origin: germline.
Comment: The c.8953+2C>T variant in VPS13A is a canonical splice donor site variant predicted to affect pre-mRNA splicing, which may result in an abnormal transcript and altered protein product. This variant is expected to result in nonsense mediated decay, truncation, or a dysfunctional protein product. This variant is rare in the general population with a frequency below the threshold expected for the associated phenotype(s). Given the available evidence, this variant is classified as Likely Pathogenic.